The following is an entry in ClinVar:

NM_005534.4(IFNGR2):c.610C>T (p.Pro204Ser)

Gene: IFNGR2 (interferon gamma receptor 2; plus strand). Cytogenetic location: 21q22.11.
Variant type: single nucleotide variant.
Coding change: c.610C>T on transcript NM_005534.4 (MANE Select); coding-DNA position 610, C replaced by T.
Protein change: p.Pro204Ser; replaces proline 204 with serine.
Molecular consequence: missense variant.
Genome position (GRCh38, 1-based): chr21:33,432,225, C>T. VCF-style: chr21-33432225-C-T. GRCh37 (hg19) VCF-style: chr21-34804532-C-T.
Other names: c.667C>T, p.Pro223Ser (NM_001329128.2); short protein forms P204S, P223S.
Identifiers: ClinVar variation 1035663 (VCV001035663.7), dbSNP rs963619980, ClinGen allele CA320124046.

ClinVar aggregate classification (germline): Uncertain significance (1 of 4 stars; one submission).

Conditions:
Immunodeficiency 28 (IMD28). Also called: IFNGR2 DEFICIENCY. Identifiers: Orphanet 319547, Orphanet 319574, MedGen C4013947, MONDO:0013953, OMIM 614889.

Allele frequency attached by ClinVar (database versions not stated): gnomAD exomes below 0.00001; gnomAD 0.00001; TOPMed 0.00001.
gnomAD v4.1: 8 of 1,613,876 alleles (0.0005%); highest among the groups gnomAD compares: Admixed American, 0.0033%; no homozygotes.

Submission:

Labcorp Genetics (formerly Invitae), Labcorp
Classification: Uncertain significance for Immunodeficiency 28. Last evaluated: 2022-05-03. Review status: criteria provided, single submitter. Criteria: Invitae Variant Classification Sherloc (09022015). Collection method: clinical testing. Allele origin: germline.
Comment: This sequence change replaces proline, which is neutral and non-polar, with serine, which is neutral and polar, at codon 204 of the IFNGR2 protein (p.Pro204Ser). This variant is not present in population databases (gnomAD no frequency). This variant has not been reported in the literature in individuals affected with IFNGR2-related conditions. ClinVar contains an entry for this variant (Variation ID: 1035663). Algorithms developed to predict the effect of missense changes on protein structure and function output the following: SIFT: "Deleterious"; PolyPhen-2: "Probably Damaging"; Align-GVGD: "Class C0". The serine amino acid residue is found in multiple mammalian species, which suggests that this missense change does not adversely affect protein function. In summary, the available evidence is currently insufficient to determine the role of this variant in disease. Therefore, it has been classified as a Variant of Uncertain Significance.